The following is an entry in ClinVar:

NM_014249.4(NR2E3):c.925C>G (p.Arg309Gly)

Gene: NR2E3 (nuclear receptor subfamily 2 group E member 3; plus strand). Cytogenetic location: 15q23.
Variant type: single nucleotide variant.
Coding change: c.925C>G on transcript NM_014249.4 (MANE Select); coding-DNA position 925, C replaced by G.
Protein change: p.Arg309Gly; replaces arginine 309 with glycine.
Molecular consequence: missense variant.
Genome position (GRCh38, 1-based): chr15:71,813,566, C>G. VCF-style: chr15-71813566-C-G. GRCh37 (hg19) VCF-style: chr15-72105906-C-G.
Other names: c.925C>G, p.Arg309Gly (NM_016346.4); c.925C>G (NM_014249.3); short protein forms R309G.
Identifiers: ClinVar variation 1068080 (VCV001068080.14), dbSNP rs774102273, ClinGen allele CA393037479.
Genomic context (GRCh38, chr15:71,813,566, plus strand): 5'-GCCCAGGGCCGGCTCACGCTGGCCAGCATGGAGACGCGTGTCCTGCAGGAAACTATCTCT[C>G]GGTTCCGGGCATTGGCGGTGGACCCCACGGAGTTTGCCTGCATGAAGGCCTTGGTCCTCT-3'
Protein context (NP_055064.1, residues 299-319): ETRVLQETIS[Arg309Gly]FRALAVDPTE

ClinVar aggregate classification (germline): Pathogenic/Likely pathogenic. Review status: criteria provided, multiple submitters, no conflicts (2 of 4 stars). 7 submissions from 7 submitters: Pathogenic (4); Likely pathogenic (2). 1 of the submissions does not count toward it. Last evaluated 2025-11-25.

Conditions:
NR2E3-related disorder. Also called: NR2E3-related disorders; NR2E3-related condition. Identifiers: MedGen CN239387.
ENHANCED S-CONE SYNDROME 1 (ESCS1). Also called: RETINOSCHISIS WITH EARLY HEMERALOPIA; FAVRE HYALOIDEORETINAL DEGENERATION. Identifiers: MedGen CN380299, OMIM 268100.
Retinitis pigmentosa (RP). Identifiers: Orphanet 791, MedGen C0035334, MeSH D012174, MONDO:0019200, OMIM 268000. Inheritance: Autosomal dominant, autosomal recessive and X linked inheritance.
Enhanced S-cone syndrome (ESCS). Identifiers: Orphanet 53540, MedGen C1849394, MONDO:0100288, MONDO:0009989.

gnomAD v4.1: 5 of 1,613,834 alleles (0.00031%); highest among the groups gnomAD compares: Non-Finnish European, 0.00034%; no homozygotes.

Submissions (7):

Myriad Genetics, Inc.
Classification: Likely pathogenic for ENHANCED S-CONE SYNDROME 1. Last evaluated: 2025-11-25. Review status: criteria provided, single submitter. Criteria: Myriad Autosomal Dominant, Autosomal Recessive and X-Linked Classification Criteria (2023). Collection method: clinical testing. Allele origin: unknown.
Comment: NM_014249.2(NR2E3):c.925C>G(R309G) is a missense variant classified as a variant of likely pathogenic in the context of enhanced S-cone syndrome. R309G has been observed in cases with relevant disease (PMID: 15459973, 36067420, 10655056). Relevant functional assessments of this variant are available in the literature (PMID: 25703721, 19898638, 17438525, 28300834, 24069298). R309G has been observed in referenced population frequency databases. In summary, NM_014249.2(NR2E3):c.925C>G(R309G) is a missense variant that has functional support for pathogenicity and has been observed more frequently in cases with the relevant disease than in healthy populations. Please note: this variant was assessed in the context of healthy population screening.

Women's Health and Genetics/Laboratory Corporation of America, LabCorp
Classification: Pathogenic for Retinitis pigmentosa. Last evaluated: 2024-11-14. Review status: criteria provided, single submitter. Criteria: LabCorp Variant Classification Summary - May 2015. Collection method: clinical testing. Allele origin: germline.
Comment: Variant summary: NR2E3 c.925C>G (p.Arg309Gly) results in a non-conservative amino acid change located in the Nuclear receptor (NR) ligand-binding (LBD) domain (IPR000536) of the encoded protein sequence. Three of four in-silico tools predict a damaging effect of the variant on protein function. The variant allele was found at a frequency of 4.1e-06 in 242578 control chromosomes. c.925C>G has been reported in the literature in compound heterozygous individuals affected with autosomal recessive Enhanced S-cone syndrome (Haider_2000, Wright_2004, daPalma_2022, Schorderet_2009, Galantuomo_2008, Invitae). These data indicate that the variant is very likely to be associated with disease. Several publications report experimental evidence evaluating an impact on protein function. The most pronounced variant effect results in partial mislocalization of the mutant protein to cytoplasm, loss of DNA binding activity and reduced dimerazation and transcription activity of heterodimers (Fradot_2007, Kanda_2009, von Alpen_2015). The following publications have been ascertained in the context of this evaluation (PMID: 17438525, 28300834, No PMID, 10655056, 19898638, 19718767, 15459973, 36067420, 25703721). ClinVar contains an entry for this variant (Variation ID: 1068080). Based on the evidence outlined above, the variant was classified as pathogenic.

Natera, Inc.
Classification: Likely pathogenic for Enhanced S cone syndrome. Last evaluated: 2024-10-11. Review status: criteria provided, single submitter. Criteria: Natera Variant Classification Schema (03/2026). Collection method: clinical testing. Allele origin: germline.
Comment: The c.925C>G variant in NR2E3 is a missense variant predicted to cause substitution of arginine to glycine at amino acid 309. This variant is rare in the general population with a frequency below the threshold expected for the associated phenotype(s). This variant has been observed in one or more individuals affected with the associated recessive disease, as either homozygous or compound heterozygous with a second variant (PMID: 11773633, 19718767, 36067420). Functional studies show that this variant may disrupt protein function (PMID: 19898638, 24069298). Given the available evidence, this variant is classified as Likely Pathogenic.

Labcorp Genetics (formerly Invitae), Labcorp
Classification: Pathogenic. Last evaluated: 2024-02-26. Review status: criteria provided, single submitter. Criteria: Invitae Variant Classification Sherloc (09022015). Collection method: clinical testing. Allele origin: germline.
Comment: This sequence change replaces arginine, which is basic and polar, with glycine, which is neutral and non-polar, at codon 309 of the NR2E3 protein (p.Arg309Gly). This variant is present in population databases (no rsID available, gnomAD 0.0009%). This missense change has been observed in individuals with clinical features of autosomal recessive enhanced S-cone syndrome (PMID: 10655056, 15459973, 19718767; Invitae). ClinVar contains an entry for this variant (Variation ID: 1068080). Advanced modeling of protein sequence and biophysical properties (such as structural, functional, and spatial information, amino acid conservation, physicochemical variation, residue mobility, and thermodynamic stability) has been performed at Invitae for this missense variant, however the output from this modeling did not meet the statistical confidence thresholds required to predict the impact of this variant on NR2E3 protein function. Experimental studies have shown that this missense change affects NR2E3 function (PMID: 19898638, 24069298, 25703721, 28300834). For these reasons, this variant has been classified as Pathogenic.

Baylor Genetics
Classification: Pathogenic for ENHANCED S-CONE SYNDROME 1. Last evaluated: 2024-02-07. Review status: criteria provided, single submitter. Criteria: ACMG Guidelines, 2015. Collection method: clinical testing. Allele origin: unknown.

Blueprint Genetics
Classification: Pathogenic for NR2E3-related disorders. Last evaluated: 2017-06-07. Review status: criteria provided, single submitter. Criteria: ACMG Guidelines, 2015. Collection method: clinical testing. Allele origin: germline. Affected: yes. Observed: 3 variant alleles.

PreventionGenetics, part of Exact Sciences
Classification: Likely pathogenic for NR2E3-related condition. Last evaluated: 2023-10-20. Review status: no assertion criteria provided. Collection method: clinical testing. Allele origin: germline. Not counted in ClinVar's aggregate classification.
Comment: The NR2E3 c.925C>G variant is predicted to result in the amino acid substitution p.Arg309Gly. This variant was reported in at least one individual with autosomal recessive enhanced S-cone syndrome (Haider. 2000. PubMed ID: 10655056; Wright. 2004. PubMed ID: 15459973; Schorderet. 2009. PubMed ID: 19718767) with in vitro experiments finding this variant affects protein function (Kanda. 2009. PubMed ID: 19898638; von Alpen. 2015. PubMed ID: 25703721; Fradot. 2007. PubMed ID: 17438525; Tan. 2013. PubMed ID: 24069298). This variant is reported in 0.00090% of alleles in individuals of European (Non-Finnish) descent in gnomAD. This variant is interpreted as likely pathogenic.

Literature cited by the submitters: PubMed 10655056 (cited by 3 submitters); PubMed 15459973 (cited by 3 submitters); PubMed 17438525 (cited by Myriad Genetics, Inc. and Women's Health and Genetics/Laboratory Corporation of America, LabCorp); PubMed 19898638 (cited by 4 submitters); PubMed 24069298 (cited by 3 submitters); PubMed 25703721 (cited by 3 submitters); PubMed 28300834 (cited by 3 submitters); PubMed 36067420 (cited by 3 submitters); PubMed 19718767 (cited by 3 submitters); PubMed 11773633 (cited by Natera, Inc.).